The following is an entry in ClinVar:

NM_004168.4(SDHA):c.1479C>T (p.Val493=)

Gene: SDHA (succinate dehydrogenase complex flavoprotein subunit A; plus strand). Cytogenetic location: 5p15.33.
Variant type: single nucleotide variant.
Coding change: c.1479C>T on transcript NM_004168.4 (MANE Select); coding-DNA position 1479, C replaced by T.
Protein change: p.Val493=; no amino-acid change (valine 493 retained).
Molecular consequence: synonymous variant.
Genome position (GRCh38, 1-based): chr5:240,404, C>T. VCF-style: chr5-240404-C-T. GRCh37 (hg19) VCF-style: chr5-240519-C-T.
Other names: c.1335C>T, p.Val445= (NM_001294332.2); c.1479C>T, p.Val493= (NM_001330758.2).
Identifiers: ClinVar variation 1652196 (VCV001652196.11), dbSNP rs2126602710, ClinGen allele CA442692217.
Genomic context (GRCh38, chr5:240,404, plus strand): 5'-TTTTTTTGTTTTAGGAGATAAAGTCCCTCCAATTAAACCAAACGCTGGGGAAGAATCTGT[C>T]ATGAATCTTGACAAATTGAGATTTGCTGATGGAAGCATAAGAACATCGGAACTGCGACTC-3'
Protein context (NP_004159.2, residues 483-503): PIKPNAGEES[Val493=]MNLDKLRFAD

ClinVar aggregate classification (germline): Benign/Likely benign. Review status: criteria provided, multiple submitters, no conflicts (2 of 4 stars). 3 submissions from 3 submitters: Benign (1); Likely benign (2). Last evaluated 2025-03-10.

Conditions:
Pheochromocytoma/paraganglioma syndrome 5. Also called: Paragangliomas 5; SDHA-Related Hereditary Paraganglioma-Pheochromocytoma Syndrome. Identifiers: Orphanet 29072, MedGen C3279992, MONDO:0013602, OMIM 614165.
Mitochondrial complex II deficiency, nuclear type 1. Also called: SUCCINATE CoQ REDUCTASE DEFICIENCY. Identifiers: Orphanet 3208, MedGen C5700310, MONDO:0100294, OMIM 252011.
Hereditary cancer-predisposing syndrome. Also called: Tumor predisposition; Hereditary Cancer Syndrome; Hereditary neoplastic syndrome; Neoplastic Syndromes, Hereditary. Identifiers: Orphanet 140162, MedGen C0027672, MeSH D009386, MONDO:0015356.

Allele frequency attached by ClinVar (database versions not stated): gnomAD exomes below 0.00001.
gnomAD v4.1: 1 of 1,610,872 alleles (0.000062%); highest among the groups gnomAD compares: Non-Finnish European, 0.000085%; no homozygotes.

Submissions (3):

Myriad Genetics, Inc.
Classification: Benign for Pheochromocytoma/paraganglioma syndrome 5. Last evaluated: 2025-03-10. Review status: criteria provided, single submitter. Criteria: Myriad Autosomal Dominant, Autosomal Recessive and X-Linked Classification Criteria (2023). Collection method: clinical testing. Allele origin: unknown.
Comment: This variant is considered benign. This variant is a silent/synonymous amino acid change and it is not expected to impact splicing.

Labcorp Genetics (formerly Invitae), Labcorp
Classification: Likely benign for Pheochromocytoma/paraganglioma syndrome 5; Mitochondrial complex II deficiency, nuclear type 1. Last evaluated: 2024-04-16. Review status: criteria provided, single submitter. Criteria: Invitae Variant Classification Sherloc (09022015). Collection method: clinical testing. Allele origin: germline.

Ambry Genetics
Classification: Likely benign for Hereditary cancer-predisposing syndrome. Last evaluated: 2022-06-04. Review status: criteria provided, single submitter. Criteria: Ambry Variant Classification Scheme 2023. Collection method: clinical testing. Allele origin: germline.